The following is an entry in ClinVar:

NM_021625.5(TRPV4):c.515T>A (p.Phe172Tyr)

Gene: TRPV4 (transient receptor potential cation channel subfamily V member 4; minus strand). Cytogenetic location: 12q24.11.
Variant type: single nucleotide variant.
Coding change: c.515T>A on transcript NM_021625.5 (MANE Select); coding-DNA position 515, T replaced by A.
Protein change: p.Phe172Tyr; replaces phenylalanine 172 with tyrosine.
Molecular consequence: missense variant.
Genome position (GRCh38, 1-based): chr12:109,808,340, A>T on the plus strand (T>A on the coding strand, the complement: TRPV4 is on the minus strand). VCF-style: chr12-109808340-A-T. GRCh37 (hg19) VCF-style: chr12-110246145-A-T.
Other names: c.515T>A, p.Phe172Tyr (NM_001177428.2, NM_001177433.2, NM_147204.3); c.413T>A, p.Phe138Tyr (NM_001177431.2); short protein forms F172Y, F138Y.
Identifiers: ClinVar variation 3637654 (VCV003637654.2).

ClinVar aggregate classification (germline): Uncertain significance (1 of 4 stars; one submission).

Conditions:
Charcot-Marie-Tooth disease axonal type 2C (HMSN2C). Also called: CHARCOT-MARIE-TOOTH DISEASE, AXONAL, AUTOSOMAL DOMINANT, TYPE 2C; Charcot-Marie-Tooth Neuropathy Type 2C; Charcot-Marie-Tooth Disease Type 2, TRPV4-Related (CMT2C). Identifiers: Orphanet 99937, MedGen C1853710, MONDO:0011633, OMIM 606071.

Submission:

Labcorp Genetics (formerly Invitae), Labcorp
Classification: Uncertain significance for Charcot-Marie-Tooth disease axonal type 2C. Last evaluated: 2024-06-26. Review status: criteria provided, single submitter. Criteria: Invitae Variant Classification Sherloc (09022015). Collection method: clinical testing. Allele origin: germline.
Comment: This sequence change replaces phenylalanine, which is neutral and non-polar, with tyrosine, which is neutral and polar, at codon 172 of the TRPV4 protein (p.Phe172Tyr). This variant is not present in population databases (gnomAD no frequency). This variant has not been reported in the literature in individuals affected with TRPV4-related conditions. Advanced modeling of protein sequence and biophysical properties (such as structural, functional, and spatial information, amino acid conservation, physicochemical variation, residue mobility, and thermodynamic stability) performed at Invitae indicates that this missense variant is not expected to disrupt TRPV4 protein function with a negative predictive value of 95%. In summary, the available evidence is currently insufficient to determine the role of this variant in disease. Therefore, it has been classified as a Variant of Uncertain Significance.